The following is an entry in ClinVar:

NM_014423.4(AFF4):c.1607T>C (p.Ile536Thr)

Gene: AFF4 (ALF transcription elongation factor 4; minus strand). Cytogenetic location: 5q31.1.
Variant type: single nucleotide variant.
Coding change: c.1607T>C on transcript NM_014423.4 (MANE Select); coding-DNA position 1607, T replaced by C.
Protein change: p.Ile536Thr; replaces isoleucine 536 with threonine.
Molecular consequence: missense variant.
Genome position (GRCh38, 1-based): chr5:132,897,023, A>G on the plus strand (T>C on the coding strand, the complement: AFF4 is on the minus strand). VCF-style: chr5-132897023-A-G. GRCh37 (hg19) VCF-style: chr5-132232715-A-G.
Other names: c.1607T>C (NM_014423.3); short protein forms I536T.
Identifiers: ClinVar variation 2063773 (VCV002063773.8), dbSNP rs758176356, ClinGen allele CA3409059.

ClinVar aggregate classification (germline): Conflicting classifications of pathogenicity. Review status: criteria provided, conflicting classifications (1 of 4 stars). 3 submissions from 3 submitters: Uncertain significance (1); Likely benign (1). 1 of the submissions does not count toward it. Last evaluated 2023-10-13.

Conditions:
Inborn genetic diseases. Identifiers: MedGen C0950123, MeSH D030342.
Cognitive impairment - coarse facies - heart defects - obesity - pulmonary involvement - short stature - skeletal dysplasia syndrome. Also called: Chops syndrome; AFF4-Related CHOPS Syndrome; COGNITIVE IMPAIRMENT, COARSE FACIES, HEART DEFECTS, OBESITY, PULMONARY INVOLVEMENT, SHORT STATURE, AND SKELETAL DYSPLASIA. Identifiers: Orphanet 444077, MedGen C4085597, MONDO:0014609, OMIM 616368.
AFF4-related disorder. Also called: AFF4-related condition.

Allele frequency attached by ClinVar (database versions not stated): ExAC 0.00002; TOPMed 0.00005; gnomAD 0.00008; gnomAD exomes 0.00013.
gnomAD v4.1: 202 of 1,613,626 alleles (0.013%); highest among the groups gnomAD compares: Non-Finnish European, 0.016%; no homozygotes.

Submissions (3):

Labcorp Genetics (formerly Invitae), Labcorp
Classification: Uncertain significance for Cognitive impairment - coarse facies - heart defects - obesity - pulmonary involvement - short stature - skeletal dysplasia syndrome. Last evaluated: 2023-10-13. Review status: criteria provided, single submitter. Criteria: Invitae Variant Classification Sherloc (09022015). Collection method: clinical testing. Allele origin: germline.
Comment: This sequence change replaces isoleucine, which is neutral and non-polar, with threonine, which is neutral and polar, at codon 536 of the AFF4 protein (p.Ile536Thr). This variant is present in population databases (rs758176356, gnomAD 0.008%). This variant has not been reported in the literature in individuals affected with AFF4-related conditions. ClinVar contains an entry for this variant (Variation ID: 2063773). Advanced modeling of protein sequence and biophysical properties (such as structural, functional, and spatial information, amino acid conservation, physicochemical variation, residue mobility, and thermodynamic stability) performed at Invitae indicates that this missense variant is not expected to disrupt AFF4 protein function. In summary, the available evidence is currently insufficient to determine the role of this variant in disease. Therefore, it has been classified as a Variant of Uncertain Significance.

Ambry Genetics
Classification: Likely benign for Inborn genetic diseases. Last evaluated: 2021-11-08. Review status: criteria provided, single submitter. Criteria: Ambry Variant Classification Scheme 2023. Collection method: clinical testing. Allele origin: germline.

PreventionGenetics, part of Exact Sciences
Classification: Uncertain significance for AFF4-related condition. Last evaluated: 2024-06-17. Review status: no assertion criteria provided. Collection method: clinical testing. Allele origin: germline. Not counted in ClinVar's aggregate classification.
Comment: The AFF4 c.1607T>C variant is predicted to result in the amino acid substitution p.Ile536Thr. To our knowledge, this variant has not been reported in the literature. This variant is reported in 0.0080% of alleles in individuals of African descent in gnomAD. At this time, the clinical significance of this variant is uncertain due to the absence of conclusive functional and genetic evidence.